The following is an entry in ClinVar:

NM_000548.5(TSC2):c.3207GAC[1] (p.Thr1071del)

Gene: TSC2 (TSC complex subunit 2; plus strand). Cytogenetic location: 16p13.3.
Variant type: Microsatellite.
Coding change: c.3207GAC[1] on transcript NM_000548.5 (MANE Select); one copy of the 3-base unit GAC starting at c.3207; the reference has two copies in a row; one copy, 3 bases deleted.
Protein change: p.Thr1071del; deletes threonine 1071.
Molecular consequence: inframe deletion. On other transcripts: inframe indel (1), non-coding transcript variant (5).
Genome position (GRCh38, 1-based): chr16:2,079,354-2,079,356, GAC deleted; deleting any 3 consecutive bases within chr16:2,079,351-2,079,356 gives the same sequence; the position shown is the placement nearest the transcript's 3' end. VCF-style (leftmost placement, unchanged base first): chr16-2079350-TGAC-T. GRCh37 (hg19) VCF-style: chr16-2129351-TGAC-T.
Other names: c.3207_3209GAC[1], p.Thr1071del (NM_000548.3); c.3075GAC[1], p.Thr1027del (NM_001077183.3, NM_001370404.1, NM_001406665.1); c.3207GAC[1], p.Thr1071del (NM_001114382.3); c.2967GAC[1], p.Thr991del (NM_001318827.2); c.2931GAC[1], p.Thr979del (NM_001318829.2); c.2475GAC[1], p.Thr827del (NM_001318831.2, NM_001406687.1, NM_001406688.1); c.3108GAC[1], p.Thr1038del (NM_001318832.2); c.3078GAC[1], p.Thr1028del (NM_001363528.2, NM_021055.3, NM_001370405.1); and 20 more; short protein forms T1028del, T1070del, T828del, T990del, T1023del, T1024del, T1058del, T1071del.
Identifiers: ClinVar variation 2847399 (VCV002847399.4), dbSNP rs2151438938, ClinGen allele CA2731833983.

ClinVar aggregate classification (germline): Uncertain significance. Review status: criteria provided, multiple submitters, no conflicts (2 of 4 stars). 2 submissions from 2 submitters: Uncertain significance (2). Last evaluated 2025-05-16.

Conditions:
Hereditary cancer-predisposing syndrome. Also called: Hereditary Cancer Syndrome; Hereditary neoplastic syndrome; Neoplastic Syndromes, Hereditary; Tumor predisposition. Identifiers: Orphanet 140162, MedGen C0027672, MeSH D009386, MONDO:0015356.
Tuberous sclerosis 2 (TSC2). Identifiers: Orphanet 805, MedGen C1860707, MONDO:0013199, OMIM 613254.

Submissions (2):

Labcorp Genetics (formerly Invitae), Labcorp
Classification: Uncertain significance for Tuberous sclerosis 2. Last evaluated: 2025-05-16. Review status: criteria provided, single submitter. Criteria: Invitae Variant Classification Sherloc (09022015). Collection method: clinical testing. Allele origin: germline.
Comment: This variant, c.3210_3212del, results in the deletion of 1 amino acid(s) of the TSC2 protein (p.Thr1071del), but otherwise preserves the integrity of the reading frame. This variant is not present in population databases (gnomAD no frequency). This variant has not been reported in the literature in individuals affected with TSC2-related conditions. Experimental studies and prediction algorithms are not available or were not evaluated, and the functional significance of this variant is currently unknown. In summary, the available evidence is currently insufficient to determine the role of this variant in disease. Therefore, it has been classified as a Variant of Uncertain Significance.

Ambry Genetics
Classification: Uncertain significance for Hereditary cancer-predisposing syndrome. Last evaluated: 2025-02-26. Review status: criteria provided, single submitter. Criteria: Ambry Variant Classification Scheme 2023. Collection method: clinical testing. Allele origin: germline.
Comment: The c.3210_3212delGAC variant (also known as p.T1071del) is located in coding exon 27 of the TSC2 gene. This variant results from an in-frame GAC deletion at nucleotide positions 3210 to 3212. This results in the in-frame deletion of a threonine at codon 1071. This amino acid position is highly conserved in available vertebrate species. In addition, this alteration is predicted to be deleterious by in silico analysis (Choi Y et al. PLoS ONE. 2012; 7(10):e46688). Based on the available evidence, the clinical significance of this variant remains unclear.